The following is an entry in ClinVar:

ClinVar aggregate classification (germline): Likely pathogenic (1 of 4 stars; one submission).

Conditions:
Hematuria, benign familial, 2 (BFH2). Identifiers: MedGen C5830421, MONDO:0958186, OMIM 620320.

Submission:

Centre de Génétique Humaine, Institut de Pathologie Et de Génétique
Classification: Likely pathogenic for Hematuria, benign familial, 2. Last evaluated: 2026-03-19. Review status: criteria provided, single submitter. Criteria: ACMG Guidelines, 2015. Collection method: clinical testing. Allele origin: germline. Inheritance: Autosomal dominant inheritance. Affected: yes. Observed: 1 variant allele, 1 heterozygote. Segregation with disease not observed.
Comment: This missense variant involves a highly conserved glycine located in a ‘Gly-X-Y’ motif in a non-collagenous/ collagenous boundary region (PM1,PP2). This variant is rare: absent in gnomAD v4.1.0 database (PM2); In silico analysis supports that this missense variant has a deleterious effect (PP3). Described as LP in ClinVar

NM_000091.5(COL4A3):c.863G>A (p.Gly288Asp)

Genes: COL4A3 (collagen type IV alpha 3 chain; plus strand), MFF-DT (MFF divergent transcript; minus strand). Cytogenetic location: 2q36.3.
Variant type: single nucleotide variant.
Coding change: c.863G>A on transcript NM_000091.5 (MANE Select); coding-DNA position 863, G replaced by A.
Protein change: p.Gly288Asp; replaces glycine 288 with aspartic acid.
Molecular consequence: missense variant.
Genome position (GRCh38, 1-based): chr2:227,254,690, G>A. VCF-style: chr2-227254690-G-A. GRCh37 (hg19) VCF-style: chr2-228119406-G-A.
Other names: p.(Gly288Asp); short protein forms G288D.
Identifiers: ClinVar variation 4853866 (VCV004853866.1).